The following is an entry in ClinVar:

ClinVar aggregate classification (germline): Uncertain significance (1 of 4 stars; one submission).

Conditions:
Hereditary cancer-predisposing syndrome. Also called: Tumor predisposition; Hereditary Cancer Syndrome; Hereditary neoplastic syndrome; Neoplastic Syndromes, Hereditary. Identifiers: Orphanet 140162, MedGen C0027672, MeSH D009386, MONDO:0015356.

Submission:

Ambry Genetics
Classification: Uncertain significance for Hereditary cancer-predisposing syndrome. Last evaluated: 2025-11-16. Review status: criteria provided, single submitter. Criteria: Ambry Variant Classification Scheme 2023. Collection method: clinical testing. Allele origin: germline.
Comment: The p.A875T variant (also known as c.2623G>A), located in coding exon 12 of the BLM gene, results from a G to A substitution at nucleotide position 2623. The alanine at codon 875 is replaced by threonine, an amino acid with similar properties. This amino acid position is conserved. In addition, this alteration is predicted to be tolerated by in silico analysis. Since supporting evidence is limited at this time, the clinical significance of this alteration remains unclear.

NM_000057.4(BLM):c.2623G>A (p.Ala875Thr)

Gene: BLM (BLM RecQ like helicase; plus strand). Cytogenetic location: 15q26.1.
Variant type: single nucleotide variant.
Coding change: c.2623G>A on transcript NM_000057.4 (MANE Select); coding-DNA position 2623, G replaced by A.
Protein change: p.Ala875Thr; replaces alanine 875 with threonine.
Molecular consequence: missense variant.
Genome position (GRCh38, 1-based): chr15:90,782,889, G>A. VCF-style: chr15-90782889-G-A. GRCh37 (hg19) VCF-style: chr15-91326119-G-A.
Other names: c.2623G>A, p.Ala875Thr (NM_001287246.2, NM_001287247.2); c.1498G>A, p.Ala500Thr (NM_001287248.2); short protein forms A500T, A875T.
Identifiers: ClinVar variation 2603788 (VCV002603788.3), dbSNP rs1164408546, ClinGen allele CA393845736.
Genomic context (GRCh38, chr15:90,782,889, plus strand): 5'-ATGAGCTTTAACAGACATAATCTGAAATACTATGTATTACCGAAAAAGCCTAAAAAGGTG[G>A]CATTTGATTGCCTAGAATGGATCAGAAAGCACCACCCATGTGAGTACAGCCATGTGATTA-3'
Protein context (NP_000048.1, residues 865-885): YVLPKKPKKV[Ala875Thr]FDCLEWIRKH